The following is an entry in ClinVar:

NM_001384474.1(LOXHD1):c.1028G>A (p.Arg343His)

Gene: LOXHD1 (lipoxygenase homology PLAT domains 1; minus strand). Cytogenetic location: 18q21.1.
Variant type: single nucleotide variant.
Coding change: c.1028G>A on transcript NM_001384474.1 (MANE Select); coding-DNA position 1028, G replaced by A.
Protein change: p.Arg343His; replaces arginine 343 with histidine.
Molecular consequence: missense variant.
Genome position (GRCh38, 1-based): chr18:46,601,323, C>T on the plus strand (G>A on the coding strand, the complement: LOXHD1 is on the minus strand). VCF-style: chr18-46601323-C-T. GRCh37 (hg19) VCF-style: chr18-44181286-C-T.
Other names: c.1028G>A, p.Arg343His (NM_144612.7); short protein forms R343H.
Identifiers: ClinVar variation 178403 (VCV000178403.22), dbSNP rs183531840, ClinGen allele CA090950.

ClinVar aggregate classification (germline): Conflicting classifications of pathogenicity. Review status: criteria provided, conflicting classifications (1 of 4 stars). 6 submissions from 6 submitters: Uncertain significance (1); Benign (2); Likely benign (1). 2 of the submissions do not count toward it. Last evaluated 2026-01-28.

Conditions:
Autosomal recessive nonsyndromic hearing loss 77. Identifiers: Orphanet 90636, MedGen C2746083, MONDO:0013119, OMIM 613079.

Allele frequency attached by ClinVar (database versions not stated): ExAC 0.00291; ESP Exome Variant Server 0.00591; gnomAD 0.00717; TOPMed 0.00792; 1000 Genomes Project 30x 0.00796; 1000 Genomes Project 0.00799.
gnomAD v4.1: 2,126 of 1,551,656 alleles (0.14%); highest among the groups gnomAD compares: African/African-American, 2.6%; 27 homozygotes.

Submissions (6):

Labcorp Genetics (formerly Invitae), Labcorp
Classification: Benign. Last evaluated: 2026-01-28. Review status: criteria provided, single submitter. Criteria: Invitae Variant Classification Sherloc (09022015). Collection method: clinical testing. Allele origin: germline.

Illumina Laboratory Services, Illumina
Classification: Uncertain significance for Autosomal recessive nonsyndromic hearing loss 77. Last evaluated: 2018-01-13. Review status: criteria provided, single submitter. Criteria: ICSL Variant Classification Criteria 13 December 2019. Collection method: clinical testing. Allele origin: germline.

GeneDx
Classification: Likely benign. Last evaluated: 2018-01-12. Review status: criteria provided, single submitter. Criteria: GeneDx Variant Classification (06012015). Collection method: clinical testing. Allele origin: germline. Affected: yes.
Comment: This variant is considered likely benign or benign based on one or more of the following criteria: it is a conservative change, it occurs at a poorly conserved position in the protein, it is predicted to be benign by multiple in silico algorithms, and/or has population frequency not consistent with disease.

Laboratory for Molecular Medicine, Mass General Brigham Personalized Medicine
Classification: Benign. Last evaluated: 2014-09-09. Review status: criteria provided, single submitter. Criteria: LMM Criteria. Collection method: clinical testing. Allele origin: germline. Observed: 10 variant alleles.
Comment: Arg343His in Exon 08 of LOXHD1: This variant is not expected to have clinical si gnificance because it has been identified in 2.0% (27/1384) of African American chromosomes by the NHLBI Exome Sequencing Project (EVS).

Natera, Inc.
Classification: Benign for Autosomal recessive deafness type 77. Last evaluated: 2019-12-16. Review status: no assertion criteria provided. Collection method: clinical testing. Allele origin: germline. Not counted in ClinVar's aggregate classification.

Counsyl
Classification: Likely benign for Autosomal recessive nonsyndromic hearing loss 77. Last evaluated: 2017-06-13. Review status: no assertion criteria provided. Collection method: clinical testing. Allele origin: unknown. Not counted in ClinVar's aggregate classification.